The following is an entry in ClinVar:

ClinVar aggregate classification (germline): Benign (1 of 4 stars; one submission).

Conditions:
Leigh syndrome (NULS). Also called: Leigh's necrotizing encephalopathy; Leigh's disease; Leigh Syndrome (mtDNA deletion); Leigh Disease; Subacute necrotizing encephalopathy; Necrotizing encephalopathy infantile subacute of Leigh. Identifiers: Orphanet 506, MedGen C2931891, MONDO:0009723, OMIM 256000.

Submission:

Wong Mito Lab, Molecular and Human Genetics, Baylor College of Medicine
Classification: Benign for Leigh syndrome. Last evaluated: 2019-10-17. Review status: criteria provided, single submitter. Criteria: Modified ACMG Guidelines (Unpublished). Collection method: clinical testing. Allele origin: germline.
Comment: The NC_012920.1:m.8396A>G (YP_003024030.1:p.Thr11Ala) variant in MTATP8 gene is interpretated to be a Benign variant based on the modified ACMG guidelines (unpublished). This variant meets the following evidence codes: BS1, BS2

NC_012920.1(MT-ATP8):m.8396A>G

Gene: MT-ATP8 (mitochondrially encoded ATP synthase 8; plus strand).
Variant type: single nucleotide variant.
Genome position: chrM-8396-A-G.
Identifiers: ClinVar variation 692842 (VCV000692842.1), dbSNP rs1603221454, ClinGen allele CA414795921.
Genomic context (GRCh38, chrMT:8,396, plus strand): 5'-TTAAGAGAACCAACACCTCTTTACAGTGAAATGCCCCAACTAAATACTACCGTATGGCCC[A>G]CCATAATTACCCCCATACTCCTTACACTATTCCTCATCACCCAACTAAAAATATTAAACA-3'